The following is an entry in ClinVar:

ClinVar aggregate classification (germline): Uncertain significance. Review status: criteria provided, multiple submitters, no conflicts (2 of 4 stars). 2 submissions from 2 submitters: Uncertain significance (2). Last evaluated 2025-03-17.

Conditions:
Cornelia de Lange syndrome 5 (CDLS5). Also called: HDAC8-Related Cornelia de Lange Syndrome. Identifiers: Orphanet 199, MedGen C3550903, MONDO:0010471, OMIM 300882.

Allele frequency attached by ClinVar (database versions not stated): TOPMed 0.00001; gnomAD 0.00002; gnomAD exomes 0.00002; ExAC 0.00004; ESP Exome Variant Server 0.00009.
gnomAD v4.1: 18 of 1,209,157 alleles (0.0015%); highest among the groups gnomAD compares: Non-Finnish European, 0.0019%; no homozygotes.

Submissions (2):

Labcorp Genetics (formerly Invitae), Labcorp
Classification: Uncertain significance for Cornelia de Lange syndrome 5. Last evaluated: 2025-03-17. Review status: criteria provided, single submitter. Criteria: Invitae Variant Classification Sherloc (09022015). Collection method: clinical testing. Allele origin: germline.
Comment: This sequence change replaces glutamic acid, which is acidic and polar, with aspartic acid, which is acidic and polar, at codon 66 of the HDAC8 protein (p.Glu66Asp). This variant is present in population databases (rs373199509, gnomAD 0.006%), including at least one homozygous and/or hemizygous individual. This missense change has been observed in individual(s) with clinical features of Cornelia de Lange syndrome (PMID: 33316326). ClinVar contains an entry for this variant (Variation ID: 444813). Invitae Evidence Modeling of protein sequence and biophysical properties (such as structural, functional, and spatial information, amino acid conservation, physicochemical variation, residue mobility, and thermodynamic stability) indicates that this missense variant is not expected to disrupt HDAC8 protein function with a negative predictive value of 80%. Experimental studies have shown that this missense change affects HDAC8 function (PMID: 33316326). In summary, the available evidence is currently insufficient to determine the role of this variant in disease. Therefore, it has been classified as a Variant of Uncertain Significance.

CeGaT Center for Human Genetics Tuebingen
Classification: Uncertain significance. Last evaluated: 2017-04-01. Review status: criteria provided, single submitter. Criteria: CeGaT Center For Human Genetics Tuebingen Variant Classification Criteria Version 2. Collection method: clinical testing. Allele origin: germline. Affected: yes. Observed: 1 variant allele.

Literature cited by the submitters: PubMed 33316326 (cited by Labcorp Genetics (formerly Invitae), Labcorp).

NM_018486.3(HDAC8):c.198G>T (p.Glu66Asp)

Gene: HDAC8 (histone deacetylase 8; minus strand). Cytogenetic location: Xq13.1.
Variant type: single nucleotide variant.
Coding change: c.198G>T on transcript NM_018486.3 (MANE Select); coding-DNA position 198, G replaced by T.
Protein change: p.Glu66Asp; replaces glutamic acid 66 with aspartic acid.
Molecular consequence: missense variant. On other transcripts: non-coding transcript variant (1), intron variant (2).
Genome position (GRCh38, 1-based): chrX:72,568,851, C>A on the plus strand (G>T on the coding strand, the complement: HDAC8 is on the minus strand). VCF-style: chrX-72568851-C-A. GRCh37 (hg19) VCF-style: chrX-71788701-C-A.
Other names: c.198G>T, p.Glu66Asp (NM_001166419.2, NM_001166420.2, NM_001166422.2); c.164+3206G>T (NM_001166418.2, NM_001166448.2); short protein forms E66D.
Identifiers: ClinVar variation 444813 (VCV000444813.46), dbSNP rs373199509, ClinGen allele CA10450316.